The following is an entry in ClinVar:

NC_012920.1(MT-TH):m.12147G>A

Gene: MT-TH (mitochondrially encoded tRNA histidine; plus strand).
Variant type: single nucleotide variant.
Genome position: chrM-12147-G-A.
Other names: 12147G-A.
Identifiers: ClinVar variation 9610 (VCV000009610.8), dbSNP rs121434474, ClinGen allele CA120576.

ClinVar aggregate classification (germline): Likely pathogenic. Review status: reviewed by expert panel (3 of 4 stars). 7 submissions from 6 submitters: Likely pathogenic (1). 6 of the submissions do not count toward it. Last evaluated 2023-01-09.

Conditions:
MT-TH-related disorders.
Primary Mitochondrial Disorders. Identifiers: MedGen CN381104.
Mitochondrial disease. Also called: Mitochondrial disorder; Mitochondrial disorders. Identifiers: Orphanet 68380, MedGen C0751651, MeSH D028361, MONDO:0044970.
MELAS syndrome (MELAS). Also called: Juvenile myopathy, encephalopathy, lactic acidosis, stroke. Identifiers: Orphanet 550, MedGen C0162671, MONDO:0010789, OMIM 540000.
MERRF/MELAS overlap syndrome. Identifiers: MedGen C3151970.

Submissions (7):

ClinGen Mitochondrial Disease Nuclear and Mitochondrial  Variant Curation Expert Panel, ClinGen
Classification: Likely pathogenic for Mitochondrial disease. Last evaluated: 2023-01-09. Review status: reviewed by expert panel. Criteria: McCormick et al. (Hum Mutat. 2020). Collection method: curation. Allele origin: germline. Inheritance: Mitochondrial inheritance.
Comment: The m.12147G>A variant in MT-TH has been reported in two unrelated probands with features of primary mitochondrial disease. One individual also had ragged red fibers, and complex I and IV deficiencies. Additional features seen include sensorineural hearing loss, optic atrophy, ptosis, migraines, ataxia, myoclonus, muscle weakness, hepatic failure consistent with Reye syndrome, lactic acidosis, and hyperCKemia. Heteroplasmy in the affected individuals ranged from 86% in muscle to undetectable in hair (PS4_supporting; PMIDs: 14967777, 15111688). This variant occurred de novo in one individual (absent in blood, urine, hair, and muscle from mother as well as two sisters, two maternal aunts, and two maternal uncles; PM6, PMID: 15111688). The computational predictor MitoTIP suggests this variant is pathogenic (93.5 percentile) and HmtVAR predicts it to be pathogenic score of 1 (PP3). This variant is absent in the GenBank dataset, Helix dataset, and gnomAD v3.1.2 (PM2_supporting). Single fiber testing was performed in muscle fibers from both affected individuals, supporting the functional impact of this variant (PS3_supporting). In one individual, the mean heteroplasmy level in abnormal fibers was 90% ± 2% (n=22) and in normal fibers was 58% ± 6% (n=15; P = 0.007). Furthermore, in ragged red fibers, the mean heteroplasmy level was 94% (PMID: 14967777). In the other individual, the mean heteroplasmy level in COX-deficient fibers was 94.6 ± 1.53% (n = 12) and in COX-positive fibers was 32.5 ± 6.18% (n = 10; p < 0.0001; PMID: 15111688). In summary, this variant meets criteria to be classified as likely pathogenic for primary mitochondrial disease inherited in a mitochondrial manner. This classification was approved by the NICHD/NINDS U24 ClinGen Mitochondrial Disease Variant Curation Expert Panel on January 9, 2023. Mitochondrial DNA-specific ACMG/AMP criteria applied (PMID: 32906214): PS4_supporting, PM6, PM2_supporting, PP3, PS3_supporting.

Variantyx, Inc.
Classification: Likely pathogenic for Primary mitochondrial disorders. Last evaluated: 2025-11-10. Review status: criteria provided, single submitter. Criteria: Variantyx Assertion Criteria 2022. Collection method: clinical testing. Allele origin: germline. Not counted in ClinVar's aggregate classification.
Comment: The m.12147G>A change is a variant in the MT-TH gene which encodes the mitochondrial transfer RNA for histidine. Pathogenic variants in this gene have been associated with primary mitochondrial disorders. It is recommended to test several tissues in the mother by NGS to fully assess for the presence and level of this mtDNA variant. of note, this variant was not detected in the mother of individual(s) reported in the published literature; however, maternity was not confirmed (PMID: 15111688) (PM6). This variant has been reported in at least 2 unrelated affected individual(s) from different top-level haplogroups (PMID: 14967777, 15111688) (PS4). Functional studies support a deleterious effect for this variant (PMID: 14967777) (PS3) confirmed by computational algorithms (Aggregate Predicted Severity Score: 1) (PP3). This variant is absent from control populations (PM2). Other reputable laboratories have reported this variant as pathogenic or likely pathogenic, and this classification has been validated by an expert panel in ClinVar (PP5). Based on the current evidence, this variant is classified as likely pathogenic for primary mitochondrial disorders

Variantyx, Inc.
Classification: Likely pathogenic for MT-TH-related disorders. Last evaluated: 2025-03-18. Review status: criteria provided, single submitter. Criteria: Variantyx Assertion Criteria 2022. Collection method: clinical testing. Allele origin: germline. Not counted in ClinVar's aggregate classification.
Comment: The m.12147G>A change is a variant in the MT-TH gene which encodes the mitochondrial transfer RNA for histidine. Pathogenic variants in this gene have been associated with primary mitochondrial disorders. This variant was not detected in the mother of individual(s) from the published literature; however, maternity was not confirmed (PMID: 15111688) (PM6). This variant has been reported in at least 2 unrelated affected individual(s) from different top-level haplogroups (PMID: 14967777, 15111688) (PS4_Supporting). Functional studies support a deleterious effect for this variant (PMID: 14967777) (PS3_Supporting). Computational algorithms support a deleterious effect on the gene or gene product (Aggregate Predicted Severity Score: 1) (PP3). This variant is absent from control populations (PM2). Other reputable laboratories have reported this variant as pathogenic or likely pathogenic, and this classification has been validated by an expert panel in ClinVar (PP5). Based on the current evidence, this variant is classified as likely pathogenic for primary mitochondrial disorders.

Mendelics
Classification: Pathogenic for Mitochondrial disease. Last evaluated: 2022-05-04. Review status: criteria provided, single submitter. Criteria: Mendelics Assertion Criteria 2019. Collection method: clinical testing. Allele origin: germline. Not counted in ClinVar's aggregate classification.

Wong Mito Lab, Molecular and Human Genetics, Baylor College of Medicine
Classification: Pathogenic for MELAS syndrome. Last evaluated: 2019-07-12. Review status: criteria provided, single submitter. Criteria: Modified ACMG Guidelines (Unpublished). Collection method: clinical testing. Allele origin: germline. Not counted in ClinVar's aggregate classification.
Comment: The NC_012920.1:m.12147G>A variant in MT-TH gene is interpreted to be a Pathogenic variant based on the modified ACMG guidelines (unpublished). This variant meets the following evidence codes reported in the guidelines: PS3, PM7, PM8, PM9

OMIM
Classification: Pathogenic for MERRF/MELAS OVERLAP SYNDROME. Last evaluated: 2004-04-27. Review status: no assertion criteria provided. Collection method: literature only. Allele origin: germline. Not counted in ClinVar's aggregate classification.

GeneReviews
No classification provided. Condition: MELAS syndrome. Review status: no classification provided. Collection method: literature only. Allele origin: maternal. Not counted in ClinVar's aggregate classification.

Literature cited by the submitters: PubMed 14967777 (cited by 4 submitters); PubMed 15111688 (cited by 3 submitters); PubMed 31965079 (cited by Wong Mito Lab, Molecular and Human Genetics, Baylor College of Medicine).